The following is an entry in ClinVar:

ClinVar aggregate classification (germline): Uncertain significance (1 of 4 stars; one submission).

Conditions:
Familial thoracic aortic aneurysm and aortic dissection (TAAD). Also called: Thoracic aortic aneurysms and dissections. Identifiers: Orphanet 91387, MedGen C4707243, MONDO:0019625.

Submission:

Ambry Genetics
Classification: Uncertain significance for Familial thoracic aortic aneurysm and aortic dissection. Last evaluated: 2026-09-06. Review status: criteria provided, single submitter. Criteria: Ambry Variant Classification Scheme 2023. Collection method: clinical testing. Allele origin: germline.
Comment: The p.K19N variant (also known as c.57G>C), located in coding exon 1 of the PLOD1 gene, results from a G to C substitution at nucleotide position 57. The lysine at codon 19 is replaced by asparagine, an amino acid with similar properties. This amino acid position is conserved. In addition, this alteration is predicted to be tolerated by in silico analysis. Based on the available evidence, the clinical significance of this variant remains unclear.

NM_000302.4(PLOD1):c.57G>C (p.Lys19Asn)

Gene: PLOD1 (procollagen-lysine,2-oxoglutarate 5-dioxygenase 1; plus strand). Cytogenetic location: 1p36.22.
Variant type: single nucleotide variant.
Coding change: c.57G>C on transcript NM_000302.4 (MANE Select); coding-DNA position 57, G replaced by C.
Protein change: p.Lys19Asn; replaces lysine 19 with asparagine.
Molecular consequence: missense variant.
Genome position (GRCh38, 1-based): chr1:11,934,836, G>C. VCF-style: chr1-11934836-G-C. GRCh37 (hg19) VCF-style: chr1-11994893-G-C.
Other names: c.57G>C, p.Lys19Asn (NM_001316320.2); short protein forms K19N.
Identifiers: ClinVar variation 5026857 (VCV005026857.1).